The following is an entry in ClinVar:

NM_002397.5(MEF2C):c.835-1_835delinsAT

Gene: MEF2C (myocyte enhancer factor 2C; minus strand). Cytogenetic location: 5q14.3.
Variant type: Indel.
Coding change: c.835-1_835delinsAT on transcript NM_002397.5 (MANE Select); the canonical splice acceptor site of the intron before coding-DNA position 835 through coding-DNA position 835, GA replaced by AT.
Molecular consequence: splice acceptor variant.
Genome position (GRCh38, 1-based): chr5:88,729,347-88,729,348, TC replaced by AT on the plus strand (GA replaced by AT on the coding strand, the reverse complement: MEF2C is on the minus strand). VCF-style: chr5-88729347-TC-AT. GRCh37 (hg19) VCF-style: chr5-88025164-TC-AT.
Other names: c.835-1_835delinsAT (NM_001364329.2, NM_001364330.2, NM_001193350.2 and 9 more transcripts); c.811-1_811delinsAT (NM_001364333.2, NM_001308002.3, NM_001364349.2 and 6 more transcripts); c.691-1_691delinsAT (NM_001364344.2, NM_001364354.2, NM_001364332.2 and 2 more transcripts); c.457-1_457delinsAT (NM_001364353.2, NM_001364356.2); c.805-1_805delinsAT (NM_001131005.2, NM_001364352.2, NM_001364343.2); c.865-1_865delinsAT (NM_001193347.1, NM_001364338.2); c.667-1_667delinsAT (NM_001193348.1); c.385-1_385delinsAT (NM_001364357.2).
Identifiers: ClinVar variation 4532003 (VCV004532003.1).

ClinVar aggregate classification (germline): Pathogenic (1 of 4 stars; one submission).

Conditions:
Neurodevelopmental disorder with hypotonia, stereotypic hand movements, and impaired language. Also called: Intellectual disability, autosomal dominant 20. Identifiers: Orphanet 228384, Orphanet 664410, MedGen C3150700, MONDO:0013266, OMIM 613443.

Submission:

Victorian Clinical Genetics Services, Murdoch Childrens Research Institute
Classification: Pathogenic for Neurodevelopmental disorder with hypotonia, stereotypic hand movements, and impaired language. Last evaluated: 2024-10-24. Review status: criteria provided, single submitter. Criteria: ACMG Guidelines, 2015. Collection method: clinical testing. Allele origin: germline. Affected: yes.
Comment: This variant is classified as Pathogenic. Evidence in support of pathogenic classification: Canonical splice site variant without proven consequence on splicing (no functional evidence available); Variant is absent from gnomAD (v2, v3 and v4); Another splice site variant comparable to the one identified in this case has limited previous evidence for pathogenicity. c.835-2A>G has been classified once as likely pathogenic by a clinical laboratory (ClinVar); Abnormal splicing is predicted by in silico tool and affected nucleotide is highly conserved; Additional information: This variant is heterozygous; This gene is associated with autosomal dominant disease; This variant has no previous evidence of pathogenicity; No published segregation evidence has been identified for this variant; No published functional evidence has been identified for this variant; Loss of function is a known mechanism of disease in this gene and is associated with neurodevelopmental disorder with hypotonia, stereotypic hand movements, and impaired language (MIM#613443).